The following is an entry in ClinVar:

ClinVar aggregate classification (germline): Uncertain significance (1 of 4 stars; one submission).

Conditions:
PCSK1-related disorder. Also called: PCSK1-related condition.

Submission:

PreventionGenetics, part of Exact Sciences
Classification: Uncertain significance for PCSK1-related condition. Last evaluated: 2026-03-23. Review status: criteria provided, single submitter. Criteria: ACMG Guidelines, 2015. Collection method: clinical testing. Allele origin: germline.
Comment: The PCSK1 c.904A>T variant is predicted to result in the amino acid substitution p.Ile302Phe. To our knowledge, this variant has not been reported in the literature or in a large population database (gnomAD), indicating this variant is rare. At this time, the clinical significance of this variant is uncertain due to the absence of conclusive functional and genetic evidence.

NM_000439.5(PCSK1):c.904A>T (p.Ile302Phe)

Genes: CAST (calpastatin; plus strand), PCSK1 (proprotein convertase subtilisin/kexin type 1; minus strand), LOC101929710 (uncharacterized LOC101929710; plus strand). Cytogenetic location: 5q15.
Variant type: single nucleotide variant.
Coding change: c.904A>T on transcript NM_000439.5 (MANE Select); coding-DNA position 904, A replaced by T.
Protein change: p.Ile302Phe; replaces isoleucine 302 with phenylalanine.
Molecular consequence: missense variant. On other transcripts: intron variant (11).
Genome position (GRCh38, 1-based): chr5:96,410,965, T>A on the plus strand (A>T on the coding strand, the complement: PCSK1 is on the minus strand). VCF-style: chr5-96410965-T-A. GRCh37 (hg19) VCF-style: chr5-95746669-T-A.
Other names: c.763A>T, p.Ile255Phe (NM_001177875.2); c.-175+31313T>A (NM_001423254.1, NM_001423259.1, NM_001423255.1 and 6 more transcripts); c.-103+31313T>A (NM_001423253.1); c.-40+31313T>A (NM_001423258.1); short protein forms I255F, I302F.
Identifiers: ClinVar variation 4992531 (VCV004992531.1).